The following is an entry in ClinVar:

NM_032242.4(PLXNA1):c.3182+8C>T

Gene: PLXNA1 (plexin A1; plus strand). Cytogenetic location: 3q21.3.
Variant type: single nucleotide variant.
Coding change: c.3182+8C>T on transcript NM_032242.4 (MANE Select); 8 bases into the intron after coding-DNA position 3182, C replaced by T.
Molecular consequence: intron variant.
Genome position (GRCh38, 1-based): chr3:127,016,692, C>T. VCF-style: chr3-127016692-C-T. GRCh37 (hg19) VCF-style: chr3-126735535-C-T.
Identifiers: ClinVar variation 3038216 (VCV003038216.2), dbSNP rs376743022, ClinGen allele CA2593915.

ClinVar aggregate classification (germline): Likely benign (0 of 4 stars; one submission).

Conditions:
PLXNA1-related disorder. Also called: PLXNA1-related condition.

Allele frequency attached by ClinVar (database versions not stated): ExAC 0.00004; gnomAD 0.00004; TOPMed 0.00004; ESP Exome Variant Server 0.00008.
gnomAD v4.1: 70 of 1,613,606 alleles (0.0043%); highest among the groups gnomAD compares: Middle Eastern, 0.033%; no homozygotes.

Submission:

PreventionGenetics, part of Exact Sciences
Classification: Likely benign for PLXNA1-related condition. Last evaluated: 2019-04-30. Review status: no assertion criteria provided. Collection method: clinical testing. Allele origin: germline.
Comment: This variant is classified as likely benign based on ACMG/AMP sequence variant interpretation guidelines (Richards et al. 2015 PMID: 25741868, with internal and published modifications).